The following is an entry in ClinVar:

ClinVar aggregate classification (germline): Uncertain significance (1 of 4 stars; one submission).

Conditions:
Nemaline myopathy 2 (NEM2). Also called: Nemaline myopathy 2, autosomal recessive. Identifiers: MedGen C1850569, MONDO:0009725, OMIM 256030.

Allele frequency attached by ClinVar (database versions not stated): gnomAD exomes below 0.00001; TOPMed 0.00002.
gnomAD v4.1: 2 of 1,613,598 alleles (0.00012%); highest among the groups gnomAD compares: African/African-American, 0.0013%; no homozygotes.

Submission:

Labcorp Genetics (formerly Invitae), Labcorp
Classification: Uncertain significance for Nemaline myopathy 2. Last evaluated: 2024-06-03. Review status: criteria provided, single submitter. Criteria: Invitae Variant Classification Sherloc (09022015). Collection method: clinical testing. Allele origin: germline.
Comment: This sequence change replaces serine, which is neutral and polar, with asparagine, which is neutral and polar, at codon 2894 of the NEB protein (p.Ser2894Asn). This variant is not present in population databases (gnomAD no frequency). This variant has not been reported in the literature in individuals affected with NEB-related conditions. ClinVar contains an entry for this variant (Variation ID: 1388622). Experimental studies and prediction algorithms are not available or were not evaluated, and the functional significance of this variant is currently unknown. In summary, the available evidence is currently insufficient to determine the role of this variant in disease. Therefore, it has been classified as a Variant of Uncertain Significance.

NM_001164508.2(NEB):c.8681G>A (p.Ser2894Asn)

Gene: NEB (nebulin; minus strand). Cytogenetic location: 2q23.3.
Variant type: single nucleotide variant.
Coding change: c.8681G>A on transcript NM_001164508.2 (MANE Select); coding-DNA position 8681, G replaced by A.
Protein change: p.Ser2894Asn; replaces serine 2894 with asparagine.
Molecular consequence: missense variant.
Genome position (GRCh38, 1-based): chr2:151,640,359, C>T on the plus strand (G>A on the coding strand, the complement: NEB is on the minus strand). VCF-style: chr2-151640359-C-T. GRCh37 (hg19) VCF-style: chr2-152496873-C-T.
Other names: c.8681G>A, p.Ser2894Asn (NM_001164507.2, NM_001271208.2, NM_004543.5); short protein forms S2894N.
Identifiers: ClinVar variation 1388622 (VCV001388622.6), dbSNP rs1420993227, ClinGen allele CA348809769.